The following is an entry in ClinVar:

NM_000321.3(RB1):c.2178dup (p.Ala727fs)

Gene: RB1 (RB transcriptional corepressor 1; plus strand). Cytogenetic location: 13q14.2.
Variant type: Duplication.
Coding change: c.2178dup on transcript NM_000321.3 (MANE Select); coding-DNA position 2178, one base duplicated (A; older notation c.2178dupA).
Protein change: p.Ala727fs; shifts the reading frame from alanine 727.
Molecular consequence: frameshift variant.
Genome position (GRCh38, 1-based): chr13:48,463,802, A duplicated. VCF-style (leftmost placement, unchanged base first): chr13-48463801-C-CA. GRCh37 (hg19) VCF-style: chr13-49037937-C-CA.
Other names: c.2178dup, p.Ala727fs (NM_001407165.1); short protein forms A727fs.
Identifiers: ClinVar variation 3237073 (VCV003237073.1), dbSNP rs2542373716.
Genomic context (GRCh38, chr13:48,463,801, plus strand): 5'-GTTCCATGTATGGCATATGCAAAGTGAAGAATATAGACCTTAAATTCAAAATCATTGTAA[C>CA]AGCATACAAGGATCTTCCTCATGCTGTTCAGGAGGTAGGTAATTTTCCATAGTAAGTTTT-3'

ClinVar aggregate classification (germline): Pathogenic (1 of 4 stars; one submission).

Conditions:
Retinoblastoma (RB1). Also called: RETINOBLASTOMA, SOMATIC. Identifiers: Orphanet 790, MedGen C0035335, MeSH D012175, MONDO:0008380, OMIM 180200, HP:0009919. Disease mechanism: loss of function. Inheritance: Both sporadic and heritable forms are tested..

Submission:

Genetic Diagnostic Laboratory, University of Pennsylvania School of Medicine
Classification: Pathogenic for Retinoblastoma. Last evaluated: 2024-05-20. Review status: criteria provided, single submitter. Criteria: ACMG Guidelines, 2015. Collection method: clinical testing. Allele origin: germline. Affected: yes. Observed: 1 variant allele.
Comment: Case and Pedigree Information: BILATERAL CASES:1, UNILATERAL CASES:0, TOTAL CASES:1, PEDIGREES:1. ACMG Codes Applied:PVS1, PM2